The following is an entry in ClinVar:

NM_000179.3(MSH6):c.3731T>G (p.Leu1244Ter)

Gene: MSH6 (mutS homolog 6; plus strand). Cytogenetic location: 2p16.3.
Variant type: single nucleotide variant.
Coding change: c.3731T>G on transcript NM_000179.3 (MANE Select); coding-DNA position 3731, T replaced by G.
Protein change: p.Leu1244Ter; replaces leucine 1244 with a stop codon.
Molecular consequence: nonsense. On other transcripts: non-coding transcript variant (5).
Genome position (GRCh38, 1-based): chr2:47,806,288, T>G. VCF-style: chr2-47806288-T-G. GRCh37 (hg19) VCF-style: chr2-48033427-T-G.
Other names: c.3434T>G, p.Leu1145Ter (NM_001406805.1, NM_001406818.1, NM_001406819.1 and 10 more transcripts); c.3206T>G, p.Leu1069Ter (NM_001406806.1, NM_001406807.1, NM_001406799.1); c.3731T>G, p.Leu1244Ter (NM_001406808.1, NM_001406809.1, NM_001406796.1 and 1 more transcripts); c.2825T>G, p.Leu942Ter (NM_001406811.1, NM_001406812.1, NM_001406814.1 and 6 more transcripts); c.3737T>G, p.Leu1246Ter (NM_001406813.1); c.2165T>G, p.Leu722Ter (NM_001406817.1); c.3341T>G, p.Leu1114Ter (NM_001281492.2); c.3827T>G, p.Leu1276Ter (NM_001406795.1, NM_001406802.1); and 7 more; short protein forms L1145*, L1188*, L1218*, L1244*, L171*, L193*, L722*, L942*.
Identifiers: ClinVar variation 2746091 (VCV002746091.3), dbSNP rs1558392241, ClinGen allele CA346761034.

ClinVar aggregate classification (germline): Pathogenic (1 of 4 stars; one submission).

Conditions:
Hereditary nonpolyposis colorectal neoplasms. Identifiers: MedGen C0009405, MeSH D003123.

Submission:

Labcorp Genetics (formerly Invitae), Labcorp
Classification: Pathogenic for Hereditary nonpolyposis colorectal neoplasms. Last evaluated: 2023-08-16. Review status: criteria provided, single submitter. Criteria: Invitae Variant Classification Sherloc (09022015). Collection method: clinical testing. Allele origin: germline.
Comment: For these reasons, this variant has been classified as Pathogenic. This variant has not been reported in the literature in individuals affected with MSH6-related conditions. This variant is not present in population databases (gnomAD no frequency). This sequence change creates a premature translational stop signal (p.Leu1244*) in the MSH6 gene. It is expected to result in an absent or disrupted protein product. Loss-of-function variants in MSH6 are known to be pathogenic (PMID: 18269114, 24362816).

Literature cited by the submitters: PubMed 18269114; PubMed 24362816.